The following is an entry in ClinVar:

NM_001613.4(ACTA2):c.1030G>A (p.Gly344Ser)

Genes: ACTA2 (actin alpha 2, smooth muscle; minus strand), ACTA2-AS1 (ACTA2 antisense RNA 1; plus strand). Cytogenetic location: 10q23.31.
Variant type: single nucleotide variant.
Coding change: c.1030G>A on transcript NM_001613.4 (MANE Select); coding-DNA position 1030, G replaced by A.
Protein change: p.Gly344Ser; replaces glycine 344 with serine.
Molecular consequence: missense variant. On other transcripts: non-coding transcript variant (1).
Genome position (GRCh38, 1-based): chr10:88,935,327, C>T on the plus strand (G>A on the coding strand, the complement: ACTA2 is on the minus strand). VCF-style: chr10-88935327-C-T. GRCh37 (hg19) VCF-style: chr10-90695084-C-T.
Other names: c.1030G>A, p.Gly344Ser (NM_001141945.3, NM_001320855.2, NM_001406462.1 and 2 more transcripts); c.919G>A, p.Gly307Ser (NM_001406466.1); c.901G>A, p.Gly301Ser (NM_001406467.1, NM_001406468.1, NM_001406469.1); c.838G>A, p.Gly280Ser (NM_001406471.1); short protein forms G344S, G301S, G280S, G307S.
Identifiers: ClinVar variation 636479 (VCV000636479.5), dbSNP rs771562943, ClinGen allele CA026706.

ClinVar aggregate classification (germline): Uncertain significance. Review status: criteria provided, multiple submitters, no conflicts (2 of 4 stars). 2 submissions from 2 submitters: Uncertain significance (2). Last evaluated 2025-10-09.

Conditions:
Aortic aneurysm, familial thoracic 6 (AAT6). Also called: FAMILIAL THORACIC AORTIC ANEURYSM WITH LIVEDO RETICULARIS AND IRIS FLOCCULI. Identifiers: MedGen C2673186, MONDO:0012730, OMIM 611788.

Allele frequency attached by ClinVar (database versions not stated): gnomAD exomes below 0.00001; ExAC 0.00001.

Submissions (2):

Labcorp Genetics (formerly Invitae), Labcorp
Classification: Uncertain significance for Aortic aneurysm, familial thoracic 6. Last evaluated: 2025-10-09. Review status: criteria provided, single submitter. Criteria: Invitae Variant Classification Sherloc (09022015). Collection method: clinical testing. Allele origin: germline.
Comment: This sequence change replaces glycine, which is neutral and non-polar, with serine, which is neutral and polar, at codon 344 of the ACTA2 protein (p.Gly344Ser). This variant is present in population databases (rs771562943, gnomAD 0.004%). This missense change has been observed in individual(s) with aortic dissection (PMID: 30056620). ClinVar contains an entry for this variant (Variation ID: 636479). Invitae Evidence Modeling of protein sequence and biophysical properties (such as structural, functional, and spatial information, amino acid conservation, physicochemical variation, residue mobility, and thermodynamic stability) has been performed for this missense variant. However, the output from this modeling did not meet the statistical confidence thresholds required to predict the impact of this variant on ACTA2 protein function. In summary, the available evidence is currently insufficient to determine the role of this variant in disease. Therefore, it has been classified as a Variant of Uncertain Significance.

Blueprint Genetics
Classification: Uncertain significance. Last evaluated: 2017-09-02. Review status: criteria provided, single submitter. Criteria: ACMG Guidelines, 2015. Collection method: clinical testing. Allele origin: germline.

Literature cited by the submitters: PubMed 30056620 (cited by Labcorp Genetics (formerly Invitae), Labcorp).